The following is an entry in ClinVar:

ClinVar aggregate classification (germline): Uncertain significance (1 of 4 stars; one submission).

Submission:

Labcorp Genetics (formerly Invitae), Labcorp
Classification: Uncertain significance. Last evaluated: 2025-09-02. Review status: criteria provided, single submitter. Criteria: Invitae Variant Classification Sherloc (09022015). Collection method: clinical testing. Allele origin: germline.
Comment: This sequence change replaces isoleucine, which is neutral and non-polar, with asparagine, which is neutral and polar, at codon 306 of the GABRB1 protein (p.Ile306Asn). This variant is not present in population databases (gnomAD no frequency). This variant has not been reported in the literature in individuals affected with GABRB1-related conditions. ClinVar contains an entry for this variant (Variation ID: 2095986). Invitae Evidence Modeling of protein sequence and biophysical properties (such as structural, functional, and spatial information, amino acid conservation, physicochemical variation, residue mobility, and thermodynamic stability) has been performed for this missense variant. However, the output from this modeling did not meet the statistical confidence thresholds required to predict the impact of this variant on GABRB1 protein function. In summary, the available evidence is currently insufficient to determine the role of this variant in disease. Therefore, it has been classified as a Variant of Uncertain Significance.

NM_000812.4(GABRB1):c.917T>A (p.Ile306Asn)

Gene: GABRB1 (gamma-aminobutyric acid type A receptor subunit beta1; plus strand). Cytogenetic location: 4p12.
Variant type: single nucleotide variant.
Coding change: c.917T>A on transcript NM_000812.4 (MANE Select); coding-DNA position 917, T replaced by A.
Protein change: p.Ile306Asn; replaces isoleucine 306 with asparagine.
Molecular consequence: missense variant.
Genome position (GRCh38, 1-based): chr4:47,406,763, T>A. VCF-style: chr4-47406763-T-A. GRCh37 (hg19) VCF-style: chr4-47408780-T-A.
Other names: short protein forms I306N.
Identifiers: ClinVar variation 2095986 (VCV002095986.4), dbSNP rs2475468459, ClinGen allele CA356811460.
Genomic context (GRCh38, chr4:47,406,763, plus strand): 5'-TGACAACCATCAGCACCCACCTCAGGGAGACCCTGCCAAAGATCCCTTATGTCAAAGCGA[T>A]TGATATTTATCTGATGGGTTGCTTTGTGTTTGTGTTCCTGGCTCTGCTGGAGTATGCCTT-3'
Protein context (NP_000803.2, residues 296-316): TLPKIPYVKA[Ile306Asn]DIYLMGCFVF